The following is an entry in ClinVar:

NM_152564.5(VPS13B):c.1904A>G (p.Tyr635Cys)

Gene: VPS13B (vacuolar protein sorting 13 homolog B; plus strand). Cytogenetic location: 8q22.2.
Variant type: single nucleotide variant.
Coding change: c.1904A>G on transcript NM_152564.5 (MANE Select); coding-DNA position 1904, A replaced by G.
Protein change: p.Tyr635Cys; replaces tyrosine 635 with cysteine.
Molecular consequence: missense variant.
Genome position (GRCh38, 1-based): chr8:99,147,901, A>G. VCF-style: chr8-99147901-A-G. GRCh37 (hg19) VCF-style: chr8-100160129-A-G.
Other names: c.1904A>G (NM_152564.4); c.1904A>G, p.Tyr635Cys (NM_015243.3, NM_017890.5); short protein forms Y635C.
Identifiers: ClinVar variation 967671 (VCV000967671.9), dbSNP rs761692416, ClinGen allele CA4822776.

ClinVar aggregate classification (germline): Uncertain significance. Review status: criteria provided, multiple submitters, no conflicts (2 of 4 stars). 3 submissions from 3 submitters: Uncertain significance (2). 1 of the submissions does not count toward it. Last evaluated 2026-06-16.

Conditions:
VPS13B-related disorder. Also called: VPS13B-related condition.
Cohen syndrome (COH1). Also called: PEPPER SYNDROME; Cutis verticis gyrata, retinitis pigmentosa, and sensorineural deafness. Identifiers: Orphanet 193, MedGen C0265223, MONDO:0008999, OMIM 216550.

Allele frequency attached by ClinVar (database versions not stated): gnomAD exomes 0.00002 and 0.00003; ExAC 0.00003; gnomAD 0.00003; TOPMed 0.00003.
gnomAD v4.1: 46 of 1,612,916 alleles (0.0029%); highest among the groups gnomAD compares: Non-Finnish European, 0.0038%; no homozygotes.

Submissions (3):

PreventionGenetics, part of Exact Sciences
Classification: Uncertain significance for VPS13B-related condition. Last evaluated: 2026-06-16. Review status: criteria provided, single submitter. Criteria: ACMG Guidelines, 2015. Collection method: clinical testing. Allele origin: germline.
Comment: The VPS13B c.1904A>G variant is predicted to result in the amino acid substitution p.Tyr635Cys. This variant has been reported in an individual with severe congenital neutropenia; however, pathogenicity was not established (See Table S1, patient SCN_07 in McNulty et al. 2021. PubMed ID: 33217554). This variant is reported in 0.0046% of alleles in individuals of European (Non-Finnish) descent in gnomAD. At this time, the clinical significance of this variant is uncertain due to the absence of conclusive functional and genetic evidence.

Labcorp Genetics (formerly Invitae), Labcorp
Classification: Uncertain significance for Cohen syndrome. Last evaluated: 2022-02-18. Review status: criteria provided, single submitter. Criteria: Invitae Variant Classification Sherloc (09022015). Collection method: clinical testing. Allele origin: germline.
Comment: This sequence change replaces tyrosine, which is neutral and polar, with cysteine, which is neutral and slightly polar, at codon 635 of the VPS13B protein (p.Tyr635Cys). This variant is present in population databases (rs761692416, gnomAD 0.005%). This missense change has been observed in individual(s) with clinical features of VPS13B-related conditions (PMID: 33217554). ClinVar contains an entry for this variant (Variation ID: 967671). Algorithms developed to predict the effect of missense changes on protein structure and function are either unavailable or do not agree on the potential impact of this missense change (SIFT: "Not Available"; PolyPhen-2: "Probably Damaging"; Align-GVGD: "Not Available"). In summary, the available evidence is currently insufficient to determine the role of this variant in disease. Therefore, it has been classified as a Variant of Uncertain Significance.

Natera, Inc.
Classification: Uncertain significance for Cohen syndrome. Last evaluated: 2020-08-18. Review status: no assertion criteria provided. Collection method: clinical testing. Allele origin: germline. Not counted in ClinVar's aggregate classification.

Literature cited by the submitters: PubMed 33217554 (cited by Labcorp Genetics (formerly Invitae), Labcorp).